The following is an entry in ClinVar:

ClinVar aggregate classification (germline): Uncertain significance. Review status: criteria provided, multiple submitters, no conflicts (2 of 4 stars). 3 submissions from 3 submitters: Uncertain significance (2). 1 of the submissions does not count toward it. Last evaluated 2021-12-16.

Conditions:
Methylmalonic aciduria due to complete methylmalonyl-CoA mutase deficiency.
Methylmalonic aciduria due to methylmalonyl-CoA mutase deficiency (MAMM). Also called: Methylmalonic aciduria, mut type. Identifiers: Orphanet 27, MedGen C1855114, MONDO:0009612, OMIM 251000.

Allele frequency attached by ClinVar (database versions not stated): TOPMed below 0.00001; gnomAD 0.00001.

Submissions (3):

Fulgent Genetics
Classification: Uncertain significance for Methylmalonic aciduria due to methylmalonyl-CoA mutase deficiency. Last evaluated: 2021-12-16. Review status: criteria provided, single submitter. Criteria: ACMG Guidelines, 2015. Collection method: clinical testing. Allele origin: unknown.

Labcorp Genetics (formerly Invitae), Labcorp
Classification: Uncertain significance. Last evaluated: 2021-08-30. Review status: criteria provided, single submitter. Criteria: Invitae Variant Classification Sherloc (09022015). Collection method: clinical testing. Allele origin: germline.
Comment: This sequence change replaces valine with isoleucine at codon 136 of the MUT protein (p.Val136Ile). The valine residue is highly conserved and there is a small physicochemical difference between valine and isoleucine. This variant is not present in population databases (ExAC no frequency). This variant has not been reported in the literature in individuals affected with MUT-related conditions. Algorithms developed to predict the effect of missense changes on protein structure and function are either unavailable or do not agree on the potential impact of this missense change (SIFT: "Deleterious"; PolyPhen-2: "Probably Damaging"; Align-GVGD: "Class C0"). In summary, the available evidence is currently insufficient to determine the role of this variant in disease. Therefore, it has been classified as a Variant of Uncertain Significance.

Natera, Inc.
Classification: Uncertain significance for Methylmalonic aciduria due to complete methylmalonyl-CoA mutase deficiency. Last evaluated: 2021-09-04. Review status: no assertion criteria provided. Collection method: clinical testing. Allele origin: germline. Not counted in ClinVar's aggregate classification.

NM_000255.4(MMUT):c.406G>A (p.Val136Ile)

Gene: MMUT (methylmalonyl-CoA mutase; minus strand). Cytogenetic location: 6p12.3.
Variant type: single nucleotide variant.
Coding change: c.406G>A on transcript NM_000255.4 (MANE Select); coding-DNA position 406, G replaced by A.
Protein change: p.Val136Ile; replaces valine 136 with isoleucine.
Molecular consequence: missense variant.
Genome position (GRCh38, 1-based): chr6:49,458,038, C>T on the plus strand (G>A on the coding strand, the complement: MMUT is on the minus strand). VCF-style: chr6-49458038-C-T. GRCh37 (hg19) VCF-style: chr6-49425751-C-T.
Other names: short protein forms V136I.
Identifiers: ClinVar variation 842894 (VCV000842894.10), dbSNP rs1767739165, ClinGen allele CA364404794.